The following is an entry in ClinVar:

ClinVar aggregate classification (germline): Uncertain significance (1 of 4 stars; one submission).

Submission:

Labcorp Genetics (formerly Invitae), Labcorp
Classification: Uncertain significance. Last evaluated: 2025-09-08. Review status: criteria provided, single submitter. Criteria: Invitae Variant Classification Sherloc (09022015). Collection method: clinical testing. Allele origin: germline.
Comment: This sequence change replaces proline, which is neutral and non-polar, with leucine, which is neutral and non-polar, at codon 691 of the KMT2B protein (p.Pro691Leu). This variant is not present in population databases (gnomAD no frequency). This variant has not been reported in the literature in individuals affected with KMT2B-related conditions. Invitae Evidence Modeling of protein sequence and biophysical properties (such as structural, functional, and spatial information, amino acid conservation, physicochemical variation, residue mobility, and thermodynamic stability) indicates that this missense variant is not expected to disrupt KMT2B protein function with a negative predictive value of 95%. In summary, the available evidence is currently insufficient to determine the role of this variant in disease. Therefore, it has been classified as a Variant of Uncertain Significance.

NM_014727.3(KMT2B):c.2072C>T (p.Pro691Leu)

Gene: KMT2B (lysine methyltransferase 2B; plus strand). Cytogenetic location: 19q13.12.
Variant type: single nucleotide variant.
Coding change: c.2072C>T on transcript NM_014727.3 (MANE Select); coding-DNA position 2072, C replaced by T.
Protein change: p.Pro691Leu; replaces proline 691 with leucine.
Molecular consequence: missense variant.
Genome position (GRCh38, 1-based): chr19:35,721,419, C>T. VCF-style: chr19-35721419-C-T. GRCh37 (hg19) VCF-style: chr19-36212321-C-T.
Other names: short protein forms P691L.
Identifiers: ClinVar variation 4811705 (VCV004811705.1).